The following is an entry in ClinVar:

ClinVar aggregate classification (germline): Uncertain significance. Review status: criteria provided, multiple submitters, no conflicts (2 of 4 stars). 3 submissions from 3 submitters: Uncertain significance (3). Last evaluated 2025-12-24.

Conditions:
Cystic fibrosis (CF). Also called: MUCOVISCIDOSIS. Identifiers: Orphanet 586, MedGen C0010674, MONDO:0009061, OMIM 219700. Disease mechanism: loss of function.

Allele frequency attached by ClinVar (database versions not stated): gnomAD exomes 0.00001; TOPMed 0.00001.
gnomAD v4.1: 8 of 1,612,090 alleles (0.0005%); highest among the groups gnomAD compares: South Asian, 0.0033%; no homozygotes.

Submissions (3):

Ambry Genetics
Classification: Uncertain significance for Cystic fibrosis. Last evaluated: 2025-12-24. Review status: criteria provided, single submitter. Criteria: Ambry Variant Classification Scheme 2023. Collection method: clinical testing. Allele origin: germline.

Labcorp Genetics (formerly Invitae), Labcorp
Classification: Uncertain significance for Cystic fibrosis. Last evaluated: 2025-01-29. Review status: criteria provided, single submitter. Criteria: Invitae Variant Classification Sherloc (09022015). Collection method: clinical testing. Allele origin: germline.
Comment: This sequence change replaces serine, which is neutral and polar, with phenylalanine, which is neutral and non-polar, at codon 495 of the CFTR protein (p.Ser495Phe). This variant is present in population databases (no rsID available, gnomAD 0.0009%). This variant has not been reported in the literature in individuals affected with CFTR-related conditions. ClinVar contains an entry for this variant (Variation ID: 2447404). Invitae Evidence Modeling of protein sequence and biophysical properties (such as structural, functional, and spatial information, amino acid conservation, physicochemical variation, residue mobility, and thermodynamic stability) indicates that this missense variant is expected to disrupt CFTR protein function with a positive predictive value of 80%. In summary, the available evidence is currently insufficient to determine the role of this variant in disease. Therefore, it has been classified as a Variant of Uncertain Significance.

Blueprint Genetics
Classification: Uncertain significance. Last evaluated: 2024-08-12. Review status: criteria provided, single submitter. Criteria: ACMG Guidelines, 2015. Collection method: clinical testing. Allele origin: germline.

NM_000492.4(CFTR):c.1484C>T (p.Ser495Phe)

Genes: CFTR (CF transmembrane conductance regulator; plus strand), CFTR-AS1 (CFTR antisense RNA 1; minus strand). Cytogenetic location: 7q31.2.
Variant type: single nucleotide variant.
Coding change: c.1484C>T on transcript NM_000492.4 (MANE Select); coding-DNA position 1484, C replaced by T.
Protein change: p.Ser495Phe; replaces serine 495 with phenylalanine.
Molecular consequence: missense variant.
Genome position (GRCh38, 1-based): chr7:117,559,555, C>T. VCF-style: chr7-117559555-C-T. GRCh37 (hg19) VCF-style: chr7-117199609-C-T.
Other names: short protein forms S495F.
Identifiers: ClinVar variation 2447404 (VCV002447404.6), dbSNP rs906983070, ClinGen allele CA164967725.